The following is an entry in ClinVar:

ClinVar aggregate classification (germline): Likely benign. Review status: criteria provided, multiple submitters, no conflicts (2 of 4 stars). 2 submissions from 2 submitters: Likely benign (2). Last evaluated 2022-01-15.

Conditions:
Koolen-de Vries syndrome (KDVS). Identifiers: Orphanet 96169, MedGen C1864871, MONDO:0012496, OMIM 610443.

Submissions (2):

Labcorp Genetics (formerly Invitae), Labcorp
Classification: Likely benign for Koolen-de Vries syndrome. Last evaluated: 2022-01-15. Review status: criteria provided, single submitter. Criteria: Invitae Variant Classification Sherloc (09022015). Collection method: clinical testing. Allele origin: germline.

GeneDx
Classification: Likely benign. Last evaluated: 2017-01-19. Review status: criteria provided, single submitter. Criteria: GeneDx Variant Classification (06012015). Collection method: clinical testing. Allele origin: germline. Affected: yes.
Comment: This variant is considered likely benign or benign based on one or more of the following criteria: it is a conservative change, it occurs at a poorly conserved position in the protein, it is predicted to be benign by multiple in silico algorithms, and/or has population frequency not consistent with disease.

NM_015443.4(KANSL1):c.2958T>C (p.Gly986=)

Gene: KANSL1 (KAT8 regulatory NSL complex subunit 1). Cytogenetic location: 17q21.31.
Variant type: single nucleotide variant.
Coding change: c.2958T>C on transcript NM_015443.4 (MANE Select); coding-DNA position 2958, T replaced by C.
Protein change: p.Gly986=; no amino-acid change (glycine 986 retained).
Molecular consequence: synonymous variant.
Genome position (GRCh38, 1-based): chr17:46,032,179, A>G on the plus strand (T>C on the coding strand, the complement: KANSL1 is on the minus strand). VCF-style: chr17-46032179-A-G. GRCh37 (hg19) VCF-style: chr17-44109545-A-G.
Other names: c.2955T>C, p.Gly985= (NM_001193465.2); c.2958T>C, p.Gly986= (NM_001193466.2, NM_001379198.1).
Identifiers: ClinVar variation 506877 (VCV000506877.11), dbSNP rs767403167, ClinGen allele CA500372007.